The following is an entry in ClinVar:

NM_004484.4(GPC3):c.11C>G (p.Thr4Ser)

Gene: GPC3 (glypican 3; minus strand). Cytogenetic location: Xq26.2.
Variant type: single nucleotide variant.
Coding change: c.11C>G on transcript NM_004484.4 (MANE Select); coding-DNA position 11, C replaced by G.
Protein change: p.Thr4Ser; replaces threonine 4 with serine.
Molecular consequence: missense variant.
Genome position (GRCh38, 1-based): chrX:133,985,439, G>C on the plus strand (C>G on the coding strand, the complement: GPC3 is on the minus strand). VCF-style: chrX-133985439-G-C. GRCh37 (hg19) VCF-style: chrX-133119466-G-C.
Other names: c.11C>G, p.Thr4Ser (NM_001164617.2, NM_001164618.2, NM_001164619.2); short protein forms T4S.
Identifiers: ClinVar variation 1979053 (VCV001979053.4), dbSNP rs2521972488, ClinGen allele CA414707224.
Genomic context (GRCh38, chrX:133,985,439, plus strand): 5'-GCCTGTCCCGGGAAGTCCAAGCTGAGCAGCATCGCCACCACCAAGCACGCGGTGCGCACG[G>C]TCCCGGCCATCCTGCTTCGCAGGGAGCTAGGAGAGCGCGGGAGAGTGGCAGCCGGAGCGA-3'
Protein context (NP_004475.1, residues 1-14): MAG[Thr4Ser]VRTACLVVAM

ClinVar aggregate classification (germline): Uncertain significance (1 of 4 stars; one submission).

Conditions:
Wilms tumor 1 (WT1). Also called: Wilms tumor, somatic. Identifiers: Orphanet 654, MedGen CN033288, MONDO:0008679, OMIM 194070.

Submission:

Labcorp Genetics (formerly Invitae), Labcorp
Classification: Uncertain significance for Wilms tumor 1. Last evaluated: 2022-02-03. Review status: criteria provided, single submitter. Criteria: Invitae Variant Classification Sherloc (09022015). Collection method: clinical testing. Allele origin: germline.
Comment: In summary, the available evidence is currently insufficient to determine the role of this variant in disease. Therefore, it has been classified as a Variant of Uncertain Significance. Algorithms developed to predict the effect of missense changes on protein structure and function (SIFT, PolyPhen-2, Align-GVGD) all suggest that this variant is likely to be tolerated. This variant has not been reported in the literature in individuals affected with GPC3-related conditions. This variant is not present in population databases (gnomAD no frequency). This sequence change replaces threonine, which is neutral and polar, with serine, which is neutral and polar, at codon 4 of the GPC3 protein (p.Thr4Ser).